The following is an entry in ClinVar:

NM_004924.6(ACTN4):c.13C>T (p.His5Tyr)

Gene: ACTN4 (actinin alpha 4; plus strand). Cytogenetic location: 19q13.2.
Variant type: single nucleotide variant.
Coding change: c.13C>T on transcript NM_004924.6 (MANE Select); coding-DNA position 13, C replaced by T.
Protein change: p.His5Tyr; replaces histidine 5 with tyrosine.
Molecular consequence: missense variant.
Genome position (GRCh38, 1-based): chr19:38,647,758, C>T. VCF-style: chr19-38647758-C-T. GRCh37 (hg19) VCF-style: chr19-39138398-C-T.
Other names: c.13C>T, p.His5Tyr (NM_001322033.2); short protein forms H5Y.
Identifiers: ClinVar variation 1470579 (VCV001470579.6), dbSNP rs1599749535, ClinGen allele CA405713233.

ClinVar aggregate classification (germline): Uncertain significance (1 of 4 stars; one submission).

Allele frequency attached by ClinVar (database versions not stated): gnomAD exomes below 0.00001.

Submission:

Labcorp Genetics (formerly Invitae), Labcorp
Classification: Uncertain significance. Last evaluated: 2025-06-12. Review status: criteria provided, single submitter. Criteria: Invitae Variant Classification Sherloc (09022015). Collection method: clinical testing. Allele origin: germline.
Comment: This sequence change replaces histidine, which is basic and polar, with tyrosine, which is neutral and polar, at codon 5 of the ACTN4 protein (p.His5Tyr). This variant is not present in population databases (gnomAD no frequency). This variant has not been reported in the literature in individuals affected with ACTN4-related conditions. ClinVar contains an entry for this variant (Variation ID: 1470579). An algorithm developed to predict the effect of missense changes on protein structure and function (PolyPhen-2) suggests that this variant is likely to be disruptive. In summary, the available evidence is currently insufficient to determine the role of this variant in disease. Therefore, it has been classified as a Variant of Uncertain Significance.